The following is an entry in ClinVar:

NM_000123.4(ERCC5):c.327T>C (p.Leu109=)

Genes: BIVM-ERCC5 (BIVM-ERCC5 readthrough; plus strand), ERCC5 (ERCC excision repair 5, endonuclease; plus strand). Cytogenetic location: 13q33.1.
Variant type: single nucleotide variant.
Coding change: c.327T>C on transcript NM_000123.4 (MANE Select); coding-DNA position 327, T replaced by C.
Protein change: p.Leu109=; no amino-acid change (leucine 109 retained).
Molecular consequence: synonymous variant.
Genome position (GRCh38, 1-based): chr13:102,853,819, T>C. VCF-style: chr13-102853819-T-C. GRCh37 (hg19) VCF-style: chr13-103506169-T-C.
Other names: c.1689T>C, p.Leu563= (NM_001204425.2).
Identifiers: ClinVar variation 2643918 (VCV002643918.24), dbSNP rs770490460, ClinGen allele CA7041112.

ClinVar aggregate classification (germline): Likely benign (1 of 4 stars; one submission).

Allele frequency attached by ClinVar (database versions not stated): ExAC 0.00001; gnomAD exomes 0.00001.
gnomAD v4.1: 16 of 1,614,186 alleles (0.00099%); highest among the groups gnomAD compares: Non-Finnish European, 0.0011%; no homozygotes.

Submission:

CeGaT Center for Human Genetics Tuebingen
Classification: Likely benign. Last evaluated: 2023-10-01. Review status: criteria provided, single submitter. Criteria: CeGaT Center For Human Genetics Tuebingen Variant Classification Criteria Version 2. Collection method: clinical testing. Allele origin: germline. Affected: yes. Observed: 1 variant allele.
Comment: ERCC5: BP4, BP7